The following is an entry in ClinVar:

ClinVar aggregate classification (germline): Uncertain significance (1 of 4 stars; one submission).

Submission:

Women's Health and Genetics/Laboratory Corporation of America, LabCorp
Classification: Uncertain significance. Last evaluated: 2025-12-28. Review status: criteria provided, single submitter. Criteria: LabCorp Variant Classification Summary - May 2015. Collection method: clinical testing. Allele origin: germline.
Comment: Variant summary: MED12 c.1339G>C (p.Ala447Pro) results in a non-conservative amino acid change in the encoded protein sequence. Algorithms developed to predict the effect of missense changes on protein structure and function are either unavailable or do not agree on the potential impact of this missense change. The variant was absent in 181735 control chromosomes. The available data on variant occurrences in the general population are insufficient to allow any conclusion about variant significance. To our knowledge, no occurrence of c.1339G>C in individuals affected with MED12-related conditions and no experimental evidence demonstrating its impact on protein function have been reported. No submitters have cited clinical-significance assessments for this variant to ClinVar. Based on the evidence outlined above, the variant was classified as uncertain significance.

NM_005120.3(MED12):c.1339G>C (p.Ala447Pro)

Genes: MED12 (mediator complex subunit 12; plus strand), LOC126863275 (BRD4-independent group 4 enhancer GRCh37_chrX:70342400-70343599; plus strand). Cytogenetic location: Xq13.1.
Variant type: single nucleotide variant.
Coding change: c.1339G>C on transcript NM_005120.3 (MANE Select); coding-DNA position 1339, G replaced by C.
Protein change: p.Ala447Pro; replaces alanine 447 with proline.
Molecular consequence: missense variant.
Genome position (GRCh38, 1-based): chrX:71,122,598, G>C. VCF-style: chrX-71122598-G-C. GRCh37 (hg19) VCF-style: chrX-70342448-G-C.
Other names: short protein forms A447P.
Identifiers: ClinVar variation 4688762 (VCV004688762.1).